The following is an entry in ClinVar:

NM_000193.4(SHH):c.14C>A (p.Ala5Glu)

Gene: SHH (sonic hedgehog signaling molecule; minus strand). Cytogenetic location: 7q36.3.
Variant type: single nucleotide variant.
Coding change: c.14C>A on transcript NM_000193.4 (MANE Select); coding-DNA position 14, C replaced by A.
Protein change: p.Ala5Glu; replaces alanine 5 with glutamic acid.
Molecular consequence: missense variant.
Genome position (GRCh38, 1-based): chr7:155,812,109, G>T on the plus strand (C>A on the coding strand, the complement: SHH is on the minus strand). VCF-style: chr7-155812109-G-T. GRCh37 (hg19) VCF-style: chr7-155604803-G-T.
Other names: short protein forms A5E.
Identifiers: ClinVar variation 3768885 (VCV003768885.1).

ClinVar aggregate classification (germline): Uncertain significance (1 of 4 stars; one submission).

Submission:

Women's Health and Genetics/Laboratory Corporation of America, LabCorp
Classification: Uncertain significance. Last evaluated: 2025-02-21. Review status: criteria provided, single submitter. Criteria: LabCorp Variant Classification Summary - May 2015. Collection method: clinical testing. Allele origin: germline.
Comment: Variant summary: SHH c.14C>A (p.Ala5Glu) results in a non-conservative amino acid change in the encoded protein sequence. Three of five in-silico tools predict a benign effect of the variant on protein function. The variant allele was found at a frequency of 8e-06 in 251338 control chromosomes. The available data on variant occurrences in the general population are insufficient to allow any conclusion about variant significance. To our knowledge, no occurrence of c.14C>A in individuals affected with SHH-Related Disorders and no experimental evidence demonstrating its impact on protein function have been reported. No submitters have cited clinical-significance assessments for this variant to ClinVar. Based on the evidence outlined above, the variant was classified as uncertain significance.